The following is an entry in ClinVar:

NM_030578.4(B9D2):c.127C>T (p.Gln43Ter)

Gene: B9D2 (B9 domain containing 2; minus strand). Cytogenetic location: 19q13.2.
Variant type: single nucleotide variant.
Coding change: c.127C>T on transcript NM_030578.4 (MANE Select); coding-DNA position 127, C replaced by T.
Protein change: p.Gln43Ter; replaces glutamine 43 with a stop codon.
Molecular consequence: nonsense.
Genome position (GRCh38, 1-based): chr19:41,357,984, G>A on the plus strand (C>T on the coding strand, the complement: B9D2 is on the minus strand). VCF-style: chr19-41357984-G-A. GRCh37 (hg19) VCF-style: chr19-41863889-G-A.
Other names: short protein forms Q43*.
Identifiers: ClinVar variation 4531724 (VCV004531724.1).
Genomic context (GRCh38, chr19:41,357,984, plus strand): 5'-GGTCGATGGGGTGGGACCAGTAAGCCATGTCCCCTATCTGCGGGGTGTCCACTTGCGTTT[G>A]GCCCTCCCGCACGCCTGACAGGAGCTTCCATGCCGCCCCTGCAGTGAGAGCCGGGACATA-3'

ClinVar aggregate classification (germline): Likely pathogenic (1 of 4 stars; one submission).

Conditions:
Meckel syndrome, type 10 (MKS10). Identifiers: Orphanet 564, MedGen C3280036, MONDO:0013609, OMIM 614175.

gnomAD v4.1: 1 of 1,614,136 alleles (0.000062%); highest among the groups gnomAD compares: Admixed American, 0.0017%; no homozygotes.

Submission:

Victorian Clinical Genetics Services, Murdoch Childrens Research Institute
Classification: Likely pathogenic for Meckel syndrome, type 10. Last evaluated: 2025-10-26. Review status: criteria provided, single submitter. Criteria: ACMG Guidelines, 2015. Collection method: clinical testing. Allele origin: germline. Affected: yes.
Comment: This variant is classified as Likely pathogenic. Evidence in support of pathogenic classification: Variant is predicted to cause nonsense-mediated decay (NMD) and loss of protein (premature termination codon is located at least 54 nucleotides upstream of the final exon-exon junction); Variant is present in gnomAD <0.01 for a recessive condition (v2: 2 heterozygote(s), 0 homozygote(s)); Strong phenotype match for this individual. Additional information: This variant is homozygous; This gene is associated with autosomal recessive disease; This variant has no previous evidence of pathogenicity; No published evidence of segregation with disease has been identified for this variant; No published functional evidence has been identified for this variant; No comparable NMD-predicted variants have previous evidence for pathogenicity; Loss of function is a known mechanism of disease in this gene and is associated with Joubert syndrome 34 (MIM#614175) and Meckel syndrome 10 (MIM#614175).